The following is an entry in ClinVar:

ClinVar aggregate classification (germline): Uncertain significance (1 of 4 stars; one submission).

Conditions:
Familial adenomatous polyposis 1 (FAP1). Also called: POLYPOSIS, ADENOMATOUS INTESTINAL; FAMILIAL ADENOMATOUS POLYPOSIS 1, ATTENUATED. Identifiers: MedGen C2713442, MONDO:0021056, OMIM 175100. Disease mechanism: loss of function.

Allele frequency attached by ClinVar (database versions not stated): gnomAD exomes below 0.00001.
gnomAD v4.1: 1 of 1,613,996 alleles (0.000062%); highest among the groups gnomAD compares: East Asian, 0.0022%; no homozygotes.

Submission:

Labcorp Genetics (formerly Invitae), Labcorp
Classification: Uncertain significance for Familial adenomatous polyposis 1. Last evaluated: 2025-07-28. Review status: criteria provided, single submitter. Criteria: Invitae Variant Classification Sherloc (09022015). Collection method: clinical testing. Allele origin: germline.
Comment: This sequence change replaces aspartic acid, which is acidic and polar, with asparagine, which is neutral and polar, at codon 1138 of the APC protein (p.Asp1138Asn). This variant is not present in population databases (gnomAD no frequency). This variant has not been reported in the literature in individuals affected with APC-related conditions. ClinVar contains an entry for this variant (Variation ID: 2054609). Invitae Evidence Modeling of protein sequence and biophysical properties (such as structural, functional, and spatial information, amino acid conservation, physicochemical variation, residue mobility, and thermodynamic stability) indicates that this missense variant is not expected to disrupt APC protein function with a negative predictive value of 95%. In summary, the available evidence is currently insufficient to determine the role of this variant in disease. Therefore, it has been classified as a Variant of Uncertain Significance.

NM_000038.6(APC):c.3412G>A (p.Asp1138Asn)

Gene: APC (APC regulator of Wnt signaling pathway; plus strand). Cytogenetic location: 5q22.2.
Variant type: single nucleotide variant.
Coding change: c.3412G>A on transcript NM_000038.6 (MANE Select); coding-DNA position 3412, G replaced by A.
Protein change: p.Asp1138Asn; replaces aspartic acid 1138 with asparagine.
Molecular consequence: missense variant.
Genome position (GRCh38, 1-based): chr5:112,839,006, G>A. VCF-style: chr5-112839006-G-A. GRCh37 (hg19) VCF-style: chr5-112174703-G-A.
Other names: c.3412G>A, p.Asp1138Asn (NM_001127510.3, NM_001354895.2, NM_001407450.1); c.3358G>A, p.Asp1120Asn (NM_001127511.3); c.3466G>A, p.Asp1156Asn (NM_001354896.2, NM_001407447.1, NM_001407448.1 and 1 more transcripts); c.3442G>A, p.Asp1148Asn (NM_001354897.2); c.3337G>A, p.Asp1113Asn (NM_001354898.2); c.3328G>A, p.Asp1110Asn (NM_001354899.2); c.3289G>A, p.Asp1097Asn (NM_001354900.2); c.3235G>A, p.Asp1079Asn (NM_001354901.2, NM_001407453.1); and 11 more; short protein forms D1012N, D1047N, D1113N, D1120N, D1148N, D754N, D1037N, D1097N.
Identifiers: ClinVar variation 2054609 (VCV002054609.4), dbSNP rs587781452, ClinGen allele CA16028812.